The following is an entry in ClinVar:

NM_001244008.2(KIF1A):c.3596C>G (p.Pro1199Arg)

Gene: KIF1A (kinesin family member 1A; minus strand). Cytogenetic location: 2q37.3.
Variant type: single nucleotide variant.
Coding change: c.3596C>G on transcript NM_001244008.2 (MANE Select); coding-DNA position 3596, C replaced by G.
Protein change: p.Pro1199Arg; replaces proline 1199 with arginine.
Molecular consequence: missense variant.
Genome position (GRCh38, 1-based): chr2:240,742,973, G>C on the plus strand (C>G on the coding strand, the complement: KIF1A is on the minus strand). VCF-style: chr2-240742973-G-C. GRCh37 (hg19) VCF-style: chr2-241682390-G-C.
Other names: c.3320C>G, p.Pro1107Arg (NM_001320705.2, NM_001330289.2, NM_001379638.1); c.3395C>G, p.Pro1132Arg (NM_001330290.2, NM_001379634.1, NM_001379635.1 and 1 more transcripts); c.3671C>G, p.Pro1224Arg (NM_001379631.1); c.3545C>G, p.Pro1182Arg (NM_001379632.1); c.3569C>G, p.Pro1190Arg (NM_001379633.1, NM_001379642.1, NM_001379645.1); c.3293C>G, p.Pro1098Arg (NM_001379636.1, NM_001379639.1, NM_001379641.1 and 6 more transcripts); c.3368C>G, p.Pro1123Arg (NM_001379637.1, NM_001379648.1); c.3290C>G, p.Pro1097Arg (NM_001379640.1); short protein forms P1098R, P1097R, P1132R, P1224R, P1182R, P1199R, P1107R, P1123R.
Identifiers: ClinVar variation 1994643 (VCV001994643.4), dbSNP rs2537211461, ClinGen allele CA351316458.
Genomic context (GRCh38, chr2:240,742,973, plus strand): 5'-CAGAGACCCTTCCTACCTGGCTTGGACAGTGGCATGACCCGAGGGAAGTGGCGGCGCGAG[G>C]GCCTCAGGGGGCTGTGGAGAAAGGACCAGTGTGAGGTGTTTGCGGGACCCTGGGCGGGAG-3'
Protein context (NP_001230937.1, residues 1189-1209): LCKDVLSPLR[Pro1199Arg]SRRHFPRVMP

ClinVar aggregate classification (germline): Uncertain significance (1 of 4 stars; one submission).

Conditions:
Hereditary spastic paraplegia 30. Identifiers: Orphanet 101010, MedGen C5235139, MONDO:0012476.
Neuropathy, hereditary sensory, type 2C. Also called: Hereditary sensory and autonomic neuropathy type IIC; KIF1A-Related HSAN2 (HSAN2C). Identifiers: Orphanet 970, MedGen C3280168, MONDO:0013634, OMIM 614213.
Intellectual disability, autosomal dominant 9 (NESCAVS). Also called: NESCAV SYNDROME; KIF1A-Related Neurodevelopmental Disorder. Identifiers: Orphanet 662367, MedGen C5393830, MONDO:0013656, OMIM 614255.

Submission:

Labcorp Genetics (formerly Invitae), Labcorp
Classification: Uncertain significance for Hereditary spastic paraplegia 30; Neuropathy, hereditary sensory, type 2C; Intellectual disability, autosomal dominant 9. Last evaluated: 2025-09-14. Review status: criteria provided, single submitter. Criteria: Invitae Variant Classification Sherloc (09022015). Collection method: clinical testing. Allele origin: germline.
Comment: This sequence change replaces proline, which is neutral and non-polar, with arginine, which is basic and polar, at codon 1098 of the KIF1A protein (p.Pro1098Arg). This variant is not present in population databases (gnomAD no frequency). This variant has not been reported in the literature in individuals affected with KIF1A-related conditions. ClinVar contains an entry for this variant (Variation ID: 1994643). Invitae Evidence Modeling of protein sequence and biophysical properties (such as structural, functional, and spatial information, amino acid conservation, physicochemical variation, residue mobility, and thermodynamic stability) indicates that this missense variant is not expected to disrupt KIF1A protein function with a negative predictive value of 95%. In summary, the available evidence is currently insufficient to determine the role of this variant in disease. Therefore, it has been classified as a Variant of Uncertain Significance.